The following is an entry in ClinVar:

ClinVar aggregate classification (germline): Uncertain significance (1 of 4 stars; one submission).

gnomAD v4.1: 1 of 1,602,352 alleles (0.000062%); highest among the groups gnomAD compares: Non-Finnish European, 0.000085%; no homozygotes.

Submission:

Labcorp Genetics (formerly Invitae), Labcorp
Classification: Uncertain significance. Last evaluated: 2024-08-09. Review status: criteria provided, single submitter. Criteria: Invitae Variant Classification Sherloc (09022015). Collection method: clinical testing. Allele origin: germline.
Comment: This sequence change falls in intron 5 of the OAS1 gene. It does not directly change the encoded amino acid sequence of the OAS1 protein. This variant is not present in population databases (gnomAD no frequency). This variant has not been reported in the literature in individuals affected with OAS1-related conditions. Algorithms developed to predict the effect of sequence changes on RNA splicing suggest that this variant may disrupt the consensus splice site. In summary, the available evidence is currently insufficient to determine the role of this variant in disease. Therefore, it has been classified as a Variant of Uncertain Significance.

NM_016816.4(OAS1):c.1039-18T>A

Gene: OAS1 (2'-5'-oligoadenylate synthetase 1; plus strand). Cytogenetic location: 12q24.13.
Variant type: single nucleotide variant.
Coding change: c.1039-18T>A on transcript NM_016816.4 (MANE Select); 18 bases into the intron before coding-DNA position 1039, T replaced by A.
Molecular consequence: intron variant. On other transcripts: 3 prime UTR variant (5), non-coding transcript variant (4).
Genome position (GRCh38, 1-based): chr12:112,919,371, T>A. VCF-style: chr12-112919371-T-A. GRCh37 (hg19) VCF-style: chr12-113357176-T-A.
Other names: c.*658T>A (NM_001406022.1, NM_001406023.1, NM_001406029.1); c.*1614T>A (NM_001406024.1, NM_001406030.1); c.1038+1671T>A (NM_001320151.2); c.1014+1671T>A (NM_001406025.1); c.1039-116T>A (NM_001032409.3); c.1015-18T>A (NM_001406021.1); c.1015-116T>A (NM_001406020.1); c.565-18T>A (NM_001406027.1); and 1 more.
Identifiers: ClinVar variation 3670262 (VCV003670262.2).
Genomic context (GRCh38, chr12:112,919,371, plus strand): 5'-GTCTACCGTAAATGCTCACTGAATCCAGCTGCAATGCAGGAAGACTCCCTGATGTGATCA[T>A]GTGTCTCACCCTTTCAGGCTGAAAGCAACAGTGCAGACGATGAGACCGACGATCCCAGGA-3'